The following is an entry in ClinVar:

NM_001330360.2(POLA1):c.1619C>T (p.Pro540Leu)

Gene: POLA1 (DNA polymerase alpha 1, catalytic subunit; plus strand). Cytogenetic location: Xp22.11.
Variant type: single nucleotide variant.
Coding change: c.1619C>T on transcript NM_001330360.2 (MANE Select); coding-DNA position 1619, C replaced by T.
Protein change: p.Pro540Leu; replaces proline 540 with leucine.
Molecular consequence: missense variant. On other transcripts: non-coding transcript variant (2).
Genome position (GRCh38, 1-based): chrX:24,727,869, C>T. VCF-style: chrX-24727869-C-T. GRCh37 (hg19) VCF-style: chrX-24745986-C-T.
Other names: c.1601C>T (NM_016937.3); c.1544C>T, p.Pro515Leu (NM_001378303.1); c.1619C>T, p.Pro540Leu (NM_001440806.1); c.1601C>T, p.Pro534Leu (NM_016937.4); short protein forms P540L, P515L, P534L.
Identifiers: ClinVar variation 4694125 (VCV004694125.2).

ClinVar aggregate classification (germline): Conflicting classifications of pathogenicity. Review status: criteria provided, conflicting classifications (1 of 4 stars). 2 submissions from 2 submitters: Uncertain significance (1); Likely benign (1). Last evaluated 2026-01-18.

Conditions:
Inborn genetic diseases. Identifiers: MedGen C0950123, MeSH D030342.

gnomAD v4.1: 9 of 1,207,490 alleles (0.00075%); highest among the groups gnomAD compares: African/African-American, 0.01%; no homozygotes.

Submissions (2):

Labcorp Genetics (formerly Invitae), Labcorp
Classification: Uncertain significance. Last evaluated: 2026-01-18. Review status: criteria provided, single submitter. Criteria: Invitae Variant Classification Sherloc (09022015). Collection method: clinical testing. Allele origin: germline.
Comment: This sequence change replaces proline, which is neutral and non-polar, with leucine, which is neutral and non-polar, at codon 534 of the POLA1 protein (p.Pro534Leu). The frequency data for this variant in the population databases is considered unreliable, as metrics indicate poor data quality at this position in the gnomAD database. This variant has not been reported in the literature in individuals affected with POLA1-related conditions. Invitae Evidence Modeling of protein sequence and biophysical properties (such as structural, functional, and spatial information, amino acid conservation, physicochemical variation, residue mobility, and thermodynamic stability) has been performed for this missense variant. However, the output from this modeling did not meet the statistical confidence thresholds required to predict the impact of this variant on POLA1 protein function. In summary, the available evidence is currently insufficient to determine the role of this variant in disease. Therefore, it has been classified as a Variant of Uncertain Significance.

Ambry Genetics
Classification: Likely benign for Inborn genetic diseases. Last evaluated: 2025-12-15. Review status: criteria provided, single submitter. Criteria: Ambry Variant Classification Scheme 2023. Collection method: clinical testing. Allele origin: germline.